The following is an entry in ClinVar:

NM_004612.4(TGFBR1):c.1346A>G (p.Lys449Arg)

Gene: TGFBR1 (transforming growth factor beta receptor 1; plus strand). Cytogenetic location: 9q22.33.
Variant type: single nucleotide variant.
Coding change: c.1346A>G on transcript NM_004612.4 (MANE Select); coding-DNA position 1346, A replaced by G.
Protein change: p.Lys449Arg; replaces lysine 449 with arginine.
Molecular consequence: missense variant.
Genome position (GRCh38, 1-based): chr9:99,147,744, A>G. VCF-style: chr9-99147744-A-G. GRCh37 (hg19) VCF-style: chr9-101910026-A-G.
Other names: c.1115A>G, p.Lys372Arg (NM_001130916.3); c.1358A>G, p.Lys453Arg (NM_001306210.2); short protein forms K449R, K453R, K372R.
Identifiers: ClinVar variation 579450 (VCV000579450.13), dbSNP rs1564176059, ClinGen allele CA374233437.

ClinVar aggregate classification (germline): Uncertain significance. Review status: criteria provided, multiple submitters, no conflicts (2 of 4 stars). 2 submissions from 2 submitters: Uncertain significance (2). Last evaluated 2019-05-10.

Conditions:
Familial thoracic aortic aneurysm and aortic dissection (TAAD). Also called: Thoracic aortic aneurysms and dissections. Identifiers: Orphanet 91387, MedGen C4707243, MONDO:0019625.
Aortic aneurysm, familial thoracic 6 (AAT6). Also called: FAMILIAL THORACIC AORTIC ANEURYSM WITH LIVEDO RETICULARIS AND IRIS FLOCCULI. Identifiers: MedGen C2673186, MONDO:0012730, OMIM 611788.

Submissions (2):

Labcorp Genetics (formerly Invitae), Labcorp
Classification: Uncertain significance for Familial thoracic aortic aneurysm and aortic dissection. Last evaluated: 2019-05-10. Review status: criteria provided, single submitter. Criteria: Invitae Variant Classification Sherloc (09022015). Collection method: clinical testing. Allele origin: germline.
Comment: Algorithms developed to predict the effect of missense changes on protein structure and function are either unavailable or do not agree on the potential impact of this missense change (SIFT: "Tolerated"; PolyPhen-2: "Probably Damaging"; Align-GVGD: "Class C0"). This variant has been observed in an individual with clinical features of TGFBR1-related conditions (PMID: 27879313). This variant is not present in population databases (ExAC no frequency). This sequence change replaces lysine with arginine at codon 449 of the TGFBR1 protein (p.Lys449Arg). The lysine residue is highly conserved and there is a small physicochemical difference between lysine and arginine. In summary, the available evidence is currently insufficient to determine the role of this variant in disease. Therefore, it has been classified as a Variant of Uncertain Significance.

Molecular Diagnostic Laboratory for Inherited Cardiovascular Disease, Montreal Heart Institute
Classification: Uncertain significance for Aortic aneurysm, familial thoracic 6. Review status: criteria provided, single submitter. Criteria: ACMG Guidelines, 2015. Collection method: clinical testing. Allele origin: germline. Affected: yes.

Literature cited by the submitters: PubMed 27879313 (cited by Labcorp Genetics (formerly Invitae), Labcorp).